The following is an entry in ClinVar:

ClinVar aggregate classification (germline): Conflicting classifications of pathogenicity. Review status: criteria provided, conflicting classifications (1 of 4 stars). 6 submissions from 6 submitters: Uncertain significance (3); Benign (1). 2 of the submissions do not count toward it. Last evaluated 2025-11-03.

Conditions:
Brain atrophy. Identifiers: MedGen C4551584, HP:0012444.
Global developmental delay (DD). Also called: Cognitive delay. Identifiers: MedGen C0557874, HP:0001263. Disease mechanism: loss of function.
Neurodevelopmental disorder and structural brain anomalies with or without seizures and spasticity. Identifiers: MedGen C5394423, MONDO:0030046, OMIM 618890.

Submissions (6):

Labcorp Genetics (formerly Invitae), Labcorp
Classification: Benign. Last evaluated: 2025-11-03. Review status: criteria provided, single submitter. Criteria: Invitae Variant Classification Sherloc (09022015). Collection method: clinical testing. Allele origin: germline.

Blueprint Genetics
Classification: Uncertain significance. Last evaluated: 2024-11-06. Review status: criteria provided, single submitter. Criteria: ACMG Guidelines, 2015. Collection method: clinical testing. Allele origin: germline.

GeneDx
Classification: Uncertain significance. Last evaluated: 2024-05-08. Review status: criteria provided, single submitter. Criteria: GeneDx Variant Classification Process June 2021. Collection method: clinical testing. Allele origin: germline. Affected: yes.
Comment: In-frame deletion of 1 amino acid in a non-repeat region; In silico analysis supports a deleterious effect on protein structure/function; This variant is associated with the following publications: (PMID: 35032046, 36978159, 31395947)

Department of Pathology and Laboratory Medicine, Sinai Health System
Classification: Uncertain significance for Neurodevelopmental disorder and structural brain anomalies with or without seizures and spasticity. Last evaluated: 2022-12-05. Review status: criteria provided, single submitter. Criteria: ACMG Guidelines, 2015. Collection method: research. Allele origin: germline.

OMIM
Classification: Pathogenic for NEURODEVELOPMENTAL DISORDER AND STRUCTURAL BRAIN ANOMALIES WITHOUT SEIZURES OR SPASTICITY. Last evaluated: 2020-05-28. Review status: no assertion criteria provided. Collection method: literature only. Allele origin: germline. Not counted in ClinVar's aggregate classification.

Regeneron Genetics Center, Regeneron
Classification: Likely pathogenic for Global developmental delay; Brain atrophy. Last evaluated: 2019-02-15. Review status: no assertion criteria provided. Collection method: research. Allele origin: germline. Affected: yes. Not counted in ClinVar's aggregate classification.
Comment: Identified in cohort of patients with neurodevelopmental disorder accompanied by structural brain abnormalities

Literature cited by the submitters: PubMed 31395947 (cited by OMIM).

NM_015466.4(PTPN23):c.3886_3888del (p.Lys1296del)

Gene: PTPN23 (protein tyrosine phosphatase non-receptor type 23; plus strand). Cytogenetic location: 3p21.31.
Variant type: Deletion.
Coding change: c.3886_3888del on transcript NM_015466.4 (MANE Select); coding-DNA positions 3886 to 3888, 3 bases deleted (AAG; older notation c.3886_3888delAAG).
Protein change: p.Lys1296del; deletes lysine 1296.
Molecular consequence: inframe deletion.
Genome position (GRCh38, 1-based): chr3:47,411,684-47,411,686, AAG deleted; deleting any 3 consecutive bases within chr3:47,411,682-47,411,686 gives the same sequence; the c. name uses the placement nearest the transcript's 3' end. VCF-style (leftmost placement, unchanged base first): chr3-47411681-GAGA-G. GRCh37 (hg19) VCF-style: chr3-47453171-GAGA-G.
Other names: c.3508_3510del, p.Lys1170del (NM_001304482.2); c.3886_3888del (NM_015466.2); c.3884_3886delAGA (NM_015466.4); short protein forms K1296del, K1170del.
Identifiers: ClinVar variation 636320 (VCV000636320.13), dbSNP rs751809435, ClinGen allele CA2366373.